The following is an entry in ClinVar:

NM_153700.2(STRC):c.4218G>A (p.Arg1406=)

Gene: STRC (stereocilin; minus strand). Cytogenetic location: 15q15.3.
Variant type: single nucleotide variant.
Coding change: c.4218G>A on transcript NM_153700.2 (MANE Select); coding-DNA position 4218, G replaced by A.
Protein change: p.Arg1406=; no amino-acid change (arginine 1406 retained).
Molecular consequence: synonymous variant.
Genome position (GRCh38, 1-based): chr15:43,604,361, C>T on the plus strand (G>A on the coding strand, the complement: STRC is on the minus strand). VCF-style: chr15-43604361-C-T. GRCh37 (hg19) VCF-style: chr15-43896559-C-T.
Identifiers: ClinVar variation 2636883 (VCV002636883.2), dbSNP rs748718937, ClinGen allele CA7528118.

ClinVar aggregate classification (germline): Conflicting classifications of pathogenicity. Review status: criteria provided, conflicting classifications (1 of 4 stars). 2 submissions from 2 submitters: Likely pathogenic (1); Uncertain significance (1). Last evaluated 2025-05-08.

Conditions:
STRC-related disorder. Also called: STRC-related condition.

Allele frequency attached by ClinVar (database versions not stated): TOPMed below 0.00001; gnomAD 0.00001; gnomAD exomes 0.00002.
gnomAD v4.1: 26 of 1,566,096 alleles (0.0017%); highest among the groups gnomAD compares: Non-Finnish European, 0.0021%; no homozygotes.

Submissions (2):

GeneDx
Classification: Uncertain significance. Last evaluated: 2025-05-08. Review status: criteria provided, single submitter. Criteria: GeneDx Variant Classification Process June 2021. Collection method: clinical testing. Allele origin: germline. Affected: yes.
Comment: Not observed at significant frequency in large population cohorts (gnomAD); In silico analysis supports a deleterious effect on splicing; Has not been previously published as pathogenic or benign to our knowledge

PreventionGenetics, part of Exact Sciences
Classification: Likely pathogenic for STRC-related condition. Last evaluated: 2023-04-20. Review status: criteria provided, single submitter. Criteria: ACMG Guidelines, 2015. Collection method: clinical testing. Allele origin: germline.
Comment: The STRC c.4218G>A variant is not predicted to result in an amino acid change (p.=). This variant occurs at the last nucleotide of exon 21 and is predicted to disrupt splicing (Alamut Visual Plus v1.6.1). To our knowledge, this variant has not been reported in the literature. This variant is reported in 0.0015% of alleles in individuals of European (Non-Finnish) descent in gnomAD. This variant is interpreted as likely pathogenic.